The following is an entry in ClinVar:

ClinVar aggregate classification (germline): Uncertain significance (1 of 4 stars; one submission).

Submission:

Labcorp Genetics (formerly Invitae), Labcorp
Classification: Uncertain significance. Last evaluated: 2022-08-09. Review status: criteria provided, single submitter. Criteria: Invitae Variant Classification Sherloc (09022015). Collection method: clinical testing. Allele origin: germline.
Comment: This sequence change replaces cysteine with arginine at codon 9 of the ADAMTS18 protein (p.Cys9Arg). The cysteine residue is weakly conserved and there is a large physicochemical difference between cysteine and arginine. Information on the frequency of this variant in the gnomAD database is not available, as this variant may be reported differently in the database. In summary, the available evidence is currently insufficient to determine the role of this variant in disease. Therefore, it has been classified as a Variant of Uncertain Significance. Experimental studies and prediction algorithms are not available or were not evaluated, and the functional significance of this variant is currently unknown. ClinVar contains an entry for this variant (Variation ID: 1437404). This variant has not been reported in the literature in individuals affected with ADAMTS18-related conditions.

NM_199355.4(ADAMTS18):c.24_25delinsTC (p.Cys9Arg)

Gene: ADAMTS18 (ADAM metallopeptidase with thrombospondin type 1 motif 18; minus strand). Cytogenetic location: 16q23.1.
Variant type: Indel.
Coding change: c.24_25delinsTC on transcript NM_199355.4 (MANE Select); coding-DNA positions 24 to 25, GT replaced by TC.
Protein change: p.Cys9Arg; replaces cysteine 9 with arginine.
Molecular consequence: missense variant. On other transcripts: 5 prime UTR variant (1).
Genome position (GRCh38, 1-based): chr16:77,434,671-77,434,672, AC replaced by GA on the plus strand (GT replaced by TC on the coding strand, the reverse complement: ADAMTS18 is on the minus strand). VCF-style: chr16-77434671-AC-GA. GRCh37 (hg19) VCF-style: chr16-77468568-AC-GA.
Other names: c.-497_-496delinsTC (NM_001326358.2); short protein forms C9R.
Identifiers: ClinVar variation 1437404 (VCV001437404.6), dbSNP rs2144876082, ClinGen allele CA2573152713.